The following is an entry in ClinVar:

NM_000492.4(CFTR):c.3681A>G (p.Leu1227=)

Genes: CFTR (CF transmembrane conductance regulator; plus strand), CFTR-AS2 (CFTR antisense RNA 2; minus strand). Cytogenetic location: 7q31.2.
Variant type: single nucleotide variant.
Coding change: c.3681A>G on transcript NM_000492.4 (MANE Select); coding-DNA position 3681, A replaced by G.
Protein change: p.Leu1227=; no amino-acid change (leucine 1227 retained).
Molecular consequence: synonymous variant.
Genome position (GRCh38, 1-based): chr7:117,627,734, A>G. VCF-style: chr7-117627734-A-G. GRCh37 (hg19) VCF-style: chr7-117267788-A-G.
Other names: c.3681A>G (NM_000492.3).
Identifiers: ClinVar variation 1079547 (VCV001079547.14), dbSNP rs943312470, ClinGen allele CA164976732.

ClinVar aggregate classification (germline): Likely benign. Review status: criteria provided, multiple submitters, no conflicts (2 of 4 stars). 5 submissions from 5 submitters: Likely benign (4). 1 of the submissions does not count toward it. Last evaluated 2025-05-12.

Conditions:
Cystic fibrosis (CF). Also called: MUCOVISCIDOSIS. Identifiers: Orphanet 586, MedGen C0010674, MONDO:0009061, OMIM 219700. Disease mechanism: loss of function.
CFTR-related disorder (CFTR-RD). Also called: CFTR-related disorders; CFTR-related condition. Identifiers: MedGen C5924204, MONDO:7770004.

Allele frequency attached by ClinVar (database versions not stated): gnomAD exomes below 0.00001 and 0.00001; gnomAD 0.00001; TOPMed 0.00001.
gnomAD v4.1: 15 of 1,612,914 alleles (0.00093%); highest among the groups gnomAD compares: Non-Finnish European, 0.0013%; no homozygotes.

Submissions (5):

PreventionGenetics, part of Exact Sciences
Classification: Likely benign for CFTR-related condition. Last evaluated: 2025-05-12. Review status: criteria provided, single submitter. Criteria: ACMG Guidelines, 2015. Collection method: clinical testing. Allele origin: germline.
Comment: This variant is classified as likely benign based on ACMG/AMP sequence variant interpretation guidelines (Richards et al. 2015 PMID: 25741868, with internal and published modifications).

Labcorp Genetics (formerly Invitae), Labcorp
Classification: Likely benign for Cystic fibrosis. Last evaluated: 2024-01-24. Review status: criteria provided, single submitter. Criteria: Invitae Variant Classification Sherloc (09022015). Collection method: clinical testing. Allele origin: germline.

Blueprint Genetics
Classification: Likely benign. Last evaluated: 2023-07-26. Review status: criteria provided, single submitter. Criteria: ACMG Guidelines, 2015. Collection method: clinical testing. Allele origin: germline.

Ambry Genetics
Classification: Likely benign for Cystic fibrosis. Last evaluated: 2017-06-19. Review status: criteria provided, single submitter. Criteria: Ambry Variant Classification Scheme 2023. Collection method: clinical testing. Allele origin: germline.

Natera, Inc.
Classification: Likely benign for CFTR-related disorders. Last evaluated: 2018-08-14. Review status: no assertion criteria provided. Collection method: clinical testing. Allele origin: germline. Not counted in ClinVar's aggregate classification.